The following is an entry in ClinVar:

ClinVar aggregate classification (germline): Conflicting classifications of pathogenicity. Review status: criteria provided, conflicting classifications (1 of 4 stars). 2 submissions from 2 submitters: Uncertain significance (1); Likely benign (1). Last evaluated 2024-09-17.

Conditions:
Inborn genetic diseases. Identifiers: MedGen C0950123, MeSH D030342.

Allele frequency attached by ClinVar (database versions not stated): gnomAD exomes below 0.00001; ExAC 0.00001; gnomAD 0.00001; TOPMed 0.00001; ESP Exome Variant Server 0.00008.
gnomAD v4.1: 8 of 1,614,132 alleles (0.0005%); highest among the groups gnomAD compares: Non-Finnish European, 0.00068%; no homozygotes.

Submissions (2):

Labcorp Genetics (formerly Invitae), Labcorp
Classification: Uncertain significance. Last evaluated: 2024-09-17. Review status: criteria provided, single submitter. Criteria: Invitae Variant Classification Sherloc (09022015). Collection method: clinical testing. Allele origin: germline.
Comment: This sequence change replaces isoleucine, which is neutral and non-polar, with valine, which is neutral and non-polar, at codon 1598 of the COL4A2 protein (p.Ile1598Val). This variant is not present in population databases (gnomAD no frequency). This variant has not been reported in the literature in individuals affected with COL4A2-related conditions. Invitae Evidence Modeling of protein sequence and biophysical properties (such as structural, functional, and spatial information, amino acid conservation, physicochemical variation, residue mobility, and thermodynamic stability) indicates that this missense variant is not expected to disrupt COL4A2 protein function with a negative predictive value of 95%. In summary, the available evidence is currently insufficient to determine the role of this variant in disease. Therefore, it has been classified as a Variant of Uncertain Significance.

Ambry Genetics
Classification: Likely benign for Inborn genetic diseases. Last evaluated: 2023-12-09. Review status: criteria provided, single submitter. Criteria: Ambry Variant Classification Scheme 2023. Collection method: clinical testing. Allele origin: germline.

NM_001846.4(COL4A2):c.4792A>G (p.Ile1598Val)

Genes: COL4A2-AS1 (COL4A2 antisense RNA 1; minus strand), COL4A2 (collagen type IV alpha 2 chain; plus strand). Cytogenetic location: 13q34.
Variant type: single nucleotide variant.
Coding change: c.4792A>G on transcript NM_001846.4 (MANE Select); coding-DNA position 4792, A replaced by G.
Protein change: p.Ile1598Val; replaces isoleucine 1598 with valine.
Molecular consequence: missense variant. On other transcripts: non-coding transcript variant (1).
Genome position (GRCh38, 1-based): chr13:110,508,132, A>G. VCF-style: chr13-110508132-A-G. GRCh37 (hg19) VCF-style: chr13-111160479-A-G.
Other names: short protein forms I1598V.
Identifiers: ClinVar variation 3147584 (VCV003147584.3), dbSNP rs374339847, ClinGen allele CA7050656.